The following is an entry in ClinVar:

NM_002878.4(RAD51D):c.766G>C (p.Asp256His)

Genes: RAD51D (RAD51 paralog D; minus strand), RAD51L3-RFFL (RAD51L3-RFFL readthrough; minus strand). Cytogenetic location: 17q12.
Variant type: single nucleotide variant.
Coding change: c.766G>C on transcript NM_002878.4 (MANE Select); coding-DNA position 766, G replaced by C.
Protein change: p.Asp256His; replaces aspartic acid 256 with histidine.
Molecular consequence: missense variant. On other transcripts: non-coding transcript variant (3).
Genome position (GRCh38, 1-based): chr17:35,101,338, C>G on the plus strand (G>C on the coding strand, the complement: RAD51D is on the minus strand). VCF-style: chr17-35101338-C-G. GRCh37 (hg19) VCF-style: chr17-33428357-C-G.
Other names: c.826G>C, p.Asp276His (NM_001142571.2); c.430G>C, p.Asp144His (NM_133629.3); short protein forms D256H, D276H, D144H.
Identifiers: ClinVar variation 628228 (VCV000628228.19), dbSNP rs1567725026, ClinGen allele CA399086941.
Genomic context (GRCh38, chr17:35,101,338, plus strand): 5'-TCCGAGTGCTGGGCACAAAGCTCCAGGAGCGTCCGAGGGCAGGTTTGAGCCTCCCGCTGT[C>G]CCTGTCTCGAGTTATGTGGTTGGTCACCTGCAGCAGAAACAGACTTACAGATCCATAATG-3'
Protein context (NP_002869.3, residues 246-266): VVTNHITRDR[Asp256His]SGRLKPALGR

ClinVar aggregate classification (germline): Uncertain significance. Review status: criteria provided, multiple submitters, no conflicts (2 of 4 stars). 4 submissions from 4 submitters: Uncertain significance (4). Last evaluated 2025-08-03.

Conditions:
Breast and/or ovarian cancer. Identifiers: MedGen CN221562.
Breast-ovarian cancer, familial, susceptibility to, 4. Identifiers: Orphanet 145, MedGen C3280345, MONDO:0013669, OMIM 614291.
Hereditary cancer-predisposing syndrome. Also called: Neoplastic Syndromes, Hereditary; Tumor predisposition; Hereditary neoplastic syndrome; Hereditary Cancer Syndrome. Identifiers: Orphanet 140162, MedGen C0027672, MeSH D009386, MONDO:0015356.

gnomAD v4.1: 1 of 1,614,012 alleles (0.000062%); no homozygotes.

Submissions (4):

Labcorp Genetics (formerly Invitae), Labcorp
Classification: Uncertain significance for Breast-ovarian cancer, familial, susceptibility to, 4. Last evaluated: 2025-08-03. Review status: criteria provided, single submitter. Criteria: Invitae Variant Classification Sherloc (09022015). Collection method: clinical testing. Allele origin: germline.
Comment: This sequence change replaces aspartic acid, which is acidic and polar, with histidine, which is basic and polar, at codon 256 of the RAD51D protein (p.Asp256His). This variant is not present in population databases (gnomAD no frequency). This variant has not been reported in the literature in individuals affected with RAD51D-related conditions. ClinVar contains an entry for this variant (Variation ID: 628228). Invitae Evidence Modeling of protein sequence and biophysical properties (such as structural, functional, and spatial information, amino acid conservation, physicochemical variation, residue mobility, and thermodynamic stability) indicates that this missense variant is not expected to disrupt RAD51D protein function with a negative predictive value of 80%. In summary, the available evidence is currently insufficient to determine the role of this variant in disease. Therefore, it has been classified as a Variant of Uncertain Significance.

Ambry Genetics
Classification: Uncertain significance for Hereditary cancer-predisposing syndrome. Last evaluated: 2024-08-17. Review status: criteria provided, single submitter. Criteria: Ambry Variant Classification Scheme 2023. Collection method: clinical testing. Allele origin: germline.
Comment: The p.D256H variant (also known as c.766G>C), located in coding exon 9 of the RAD51D gene, results from a G to C substitution at nucleotide position 766. The aspartic acid at codon 256 is replaced by histidine, an amino acid with similar properties. This amino acid position is conserved. In addition, this alteration is predicted to be tolerated by in silico analysis. Since supporting evidence is limited at this time, the clinical significance of this alteration remains unclear.

Color Diagnostics, LLC DBA Color Health
Classification: Uncertain significance for Hereditary cancer-predisposing syndrome. Last evaluated: 2024-03-06. Review status: criteria provided, single submitter. Criteria: ACMG Guidelines, 2015. Collection method: clinical testing. Allele origin: germline.
Comment: This missense variant replaces aspartic acid with histidine at codon 256 of the RAD51D protein. Computational prediction suggests that this variant may not impact protein structure and function (internally defined REVEL score threshold <= 0.5, PMID: 27666373). To our knowledge, functional studies have not been reported for this variant. This variant has not been reported in individuals affected with hereditary cancer in the literature. This variant has not been identified in the general population by the Genome Aggregation Database (gnomAD). The available evidence is insufficient to determine the role of this variant in disease conclusively. Therefore, this variant is classified as a Variant of Uncertain Significance.

CHEO Genetics Diagnostic Laboratory, Children's Hospital of Eastern Ontario
Classification: Uncertain significance for Breast and/or ovarian cancer. Last evaluated: 2022-10-25. Review status: criteria provided, single submitter. Criteria: ACMG Guidelines, 2015. Collection method: clinical testing. Allele origin: germline.